The following is an entry in ClinVar:

ClinVar aggregate classification (germline): Uncertain significance (1 of 4 stars; one submission).

Conditions:
Inborn genetic diseases. Identifiers: MedGen C0950123, MeSH D030342.

Allele frequency attached by ClinVar (database versions not stated): gnomAD exomes below 0.00001.
gnomAD v4.1: 2 of 1,610,758 alleles (0.00012%); highest among the groups gnomAD compares: Non-Finnish European, 0.00017%; no homozygotes.

Submission:

Ambry Genetics
Classification: Uncertain significance for Inborn genetic diseases. Last evaluated: 2021-07-08. Review status: criteria provided, single submitter. Criteria: Ambry Variant Classification Scheme 2023. Collection method: clinical testing. Allele origin: germline.
Comment: The p.M610T variant (also known as c.1829T>C), located in coding exon 11 of the PIK3CA gene, results from a T to C substitution at nucleotide position 1829. The methionine at codon 610 is replaced by threonine, an amino acid with similar properties. This amino acid position is conserved. In addition, the in silico prediction for this alteration is inconclusive. Since supporting evidence is limited at this time, the clinical significance of this alteration remains unclear.

NM_006218.4(PIK3CA):c.1829T>C (p.Met610Thr)

Gene: PIK3CA (phosphatidylinositol-4,5-bisphosphate 3-kinase catalytic subunit alpha; plus strand). Cytogenetic location: 3q26.32.
Variant type: single nucleotide variant.
Coding change: c.1829T>C on transcript NM_006218.4 (MANE Select); coding-DNA position 1829, T replaced by C.
Protein change: p.Met610Thr; replaces methionine 610 with threonine.
Molecular consequence: missense variant.
Genome position (GRCh38, 1-based): chr3:179,219,653, T>C. VCF-style: chr3-179219653-T-C. GRCh37 (hg19) VCF-style: chr3-178937441-T-C.
Other names: short protein forms M610T.
Identifiers: ClinVar variation 1780907 (VCV001780907.2), dbSNP rs1724920895, ClinGen allele CA355266420.